The following is an entry in ClinVar:

NM_001081.4(CUBN):c.4771G>A (p.Val1591Ile)

Gene: CUBN (cubilin; minus strand). Cytogenetic location: 10p13.
Variant type: single nucleotide variant.
Coding change: c.4771G>A on transcript NM_001081.4 (MANE Select); coding-DNA position 4771, G replaced by A.
Protein change: p.Val1591Ile; replaces valine 1591 with isoleucine.
Molecular consequence: missense variant.
Genome position (GRCh38, 1-based): chr10:16,954,473, C>T on the plus strand (G>A on the coding strand, the complement: CUBN is on the minus strand). VCF-style: chr10-16954473-C-T. GRCh37 (hg19) VCF-style: chr10-16996472-C-T.
Other names: short protein forms V1591I.
Identifiers: ClinVar variation 3593188 (VCV003593188.2).

ClinVar aggregate classification (germline): Uncertain significance. Review status: criteria provided, multiple submitters, no conflicts (2 of 4 stars). 2 submissions from 2 submitters: Uncertain significance (2). Last evaluated 2024-08-15.

Conditions:
Imerslund-Grasbeck syndrome type 1 (IGS1). Also called: MEGALOBLASTIC ANEMIA, 1; Megaloblastic anemia 1, Finnish type; Imerslund-Gräsbeck syndrome 1. Identifiers: MedGen C4016819, MONDO:0100156, OMIM 261100.
Proteinuria, chronic benign. Identifiers: MedGen C5394384, MONDO:0030042, OMIM 618884.

gnomAD v4.1: 12 of 1,614,020 alleles (0.00074%); highest among the groups gnomAD compares: Admixed American, 0.01%; no homozygotes.

Submissions (2):

GeneDx
Classification: Uncertain significance. Last evaluated: 2024-08-15. Review status: criteria provided, single submitter. Criteria: GeneDx Variant Classification Process June 2021. Collection method: clinical testing. Allele origin: germline. Affected: yes.
Comment: Not observed at significant frequency in large population cohorts (gnomAD); In silico analysis indicates that this missense variant does not alter protein structure/function; Has not been previously published as pathogenic or benign to our knowledge

Fulgent Genetics
Classification: Uncertain significance for Imerslund-Grasbeck syndrome type 1; Proteinuria, chronic benign. Last evaluated: 2024-03-27. Review status: criteria provided, single submitter. Criteria: ACMG Guidelines, 2015. Collection method: clinical testing. Allele origin: germline.